The following is an entry in ClinVar:

ClinVar aggregate classification (germline): Uncertain significance. Review status: criteria provided, multiple submitters, no conflicts (2 of 4 stars). 2 submissions from 2 submitters: Uncertain significance (2). Last evaluated 2025-11-01.

Conditions:
Inborn genetic diseases. Identifiers: MedGen C0950123, MeSH D030342.

Allele frequency attached by ClinVar (database versions not stated): TOPMed below 0.00001; gnomAD 0.00001.
gnomAD v4.1: 15 of 1,613,254 alleles (0.00093%); highest among the groups gnomAD compares: Middle Eastern, 0.016%; no homozygotes.

Submissions (2):

CeGaT Center for Human Genetics Tuebingen
Classification: Uncertain significance. Last evaluated: 2025-11-01. Review status: criteria provided, single submitter. Criteria: CeGaT Center For Human Genetics Tuebingen Variant Classification Criteria Version 2. Collection method: clinical testing. Allele origin: germline. Affected: yes. Observed: 1 variant allele.
Comment: RP1L1: PM2, BP4

Ambry Genetics
Classification: Uncertain significance for Inborn genetic diseases. Last evaluated: 2022-07-27. Review status: criteria provided, single submitter. Criteria: Ambry Variant Classification Scheme 2023. Collection method: clinical testing. Allele origin: germline.

NM_178857.6(RP1L1):c.4952C>T (p.Ala1651Val)

Gene: RP1L1 (RP1 like 1). Cytogenetic location: 8p23.1.
Variant type: single nucleotide variant.
Coding change: c.4952C>T on transcript NM_178857.6 (MANE Select); coding-DNA position 4952, C replaced by T.
Protein change: p.Ala1651Val; replaces alanine 1651 with valine.
Molecular consequence: missense variant.
Genome position (GRCh38, 1-based): chr8:10,609,146, G>A on the plus strand (C>T on the coding strand, the complement: RP1L1 is on the minus strand). VCF-style: chr8-10609146-G-A. GRCh37 (hg19) VCF-style: chr8-10466656-G-A.
Other names: short protein forms A1651V.
Identifiers: ClinVar variation 2303872 (VCV002303872.8), dbSNP rs751400047, ClinGen allele CA4623820.
Genomic context (GRCh38, chr8:10,609,146, plus strand): 5'-GACATAGGGCTCACTTTCTTCCTCACGCAGGCCTCGCAGGGACAGAACTCCTCCCCCTCC[G>A]CCTCCTCGCCCAGCTGGCTCCCCAGGGCTGTGCTGAGGGCTGGCTCGTCCTCCAGGGTGA-3'
Protein context (NP_849188.4, residues 1641-1661): TALGSQLGEE[Ala1651Val]EGEEFCPCEA